The following is an entry in ClinVar:

ClinVar aggregate classification (germline): Conflicting classifications of pathogenicity. Review status: criteria provided, conflicting classifications (1 of 4 stars). 3 submissions from 3 submitters: Uncertain significance (2); Benign (1). Last evaluated 2025-02-04.

Conditions:
Baller-Gerold syndrome (BGS). Also called: CRANIOSYNOSTOSIS WITH RADIAL DEFECTS. Identifiers: Orphanet 1225, MedGen C0265308, MONDO:0009039, OMIM 218600.
Inborn genetic diseases. Identifiers: MedGen C0950123, MeSH D030342.
Ovarian cancer. Also called: OVARIAN CANCER, SOMATIC. Identifiers: Orphanet 213500, MedGen C1140680, MONDO:0008170, OMIM 167000.

Allele frequency attached by ClinVar (database versions not stated): gnomAD 0.00001.
gnomAD v4.1: 13 of 1,608,826 alleles (0.00081%); highest among the groups gnomAD compares: Non-Finnish European, 0.0011%; no homozygotes.

Submissions (3):

Ambry Genetics
Classification: Uncertain significance for Inborn genetic diseases. Last evaluated: 2025-02-04. Review status: criteria provided, single submitter. Criteria: Ambry Variant Classification Scheme 2023. Collection method: clinical testing. Allele origin: germline.
Comment: The p.L228F variant (also known as c.682C>T), located in coding exon 5 of the RECQL4 gene, results from a C to T substitution at nucleotide position 682. The leucine at codon 228 is replaced by phenylalanine, an amino acid with highly similar properties. This amino acid position is conserved. In addition, this alteration is predicted to be tolerated by in silico analysis. Based on the available evidence, the clinical significance of this variant remains unclear.

Labcorp Genetics (formerly Invitae), Labcorp
Classification: Uncertain significance for Baller-Gerold syndrome. Last evaluated: 2023-11-29. Review status: criteria provided, single submitter. Criteria: Invitae Variant Classification Sherloc (09022015). Collection method: clinical testing. Allele origin: germline.
Comment: This sequence change replaces leucine, which is neutral and non-polar, with phenylalanine, which is neutral and non-polar, at codon 228 of the RECQL4 protein (p.Leu228Phe). This variant is not present in population databases (gnomAD no frequency). This variant has not been reported in the literature in individuals affected with RECQL4-related conditions. ClinVar contains an entry for this variant (Variation ID: 1387628). Experimental studies and prediction algorithms are not available or were not evaluated, and the functional significance of this variant is currently unknown. In summary, the available evidence is currently insufficient to determine the role of this variant in disease. Therefore, it has been classified as a Variant of Uncertain Significance.

Laboratory of Molecular Epidemiology of Birth Defects, West China Second University Hospital, Sichuan University
Classification: Benign for Ovarian cancer. Last evaluated: 2022-01-01. Review status: criteria provided, single submitter. Criteria: ACMG Guidelines, 2015. Collection method: clinical testing. Allele origin: germline. Affected: yes.

NM_004260.4(RECQL4):c.682C>T (p.Leu228Phe)

Gene: RECQL4 (RecQ like helicase 4; minus strand). Cytogenetic location: 8q24.3.
Variant type: single nucleotide variant.
Coding change: c.682C>T on transcript NM_004260.4 (MANE Select); coding-DNA position 682, C replaced by T.
Protein change: p.Leu228Phe; replaces leucine 228 with phenylalanine.
Molecular consequence: missense variant.
Genome position (GRCh38, 1-based): chr8:144,516,437, G>A on the plus strand (C>T on the coding strand, the complement: RECQL4 is on the minus strand). VCF-style: chr8-144516437-G-A. GRCh37 (hg19) VCF-style: chr8-145741821-G-A.
Other names: c.682C>T (NM_004260.3); short protein forms L228F.
Identifiers: ClinVar variation 1387628 (VCV001387628.7), dbSNP rs1316434470, ClinGen allele CA372689740.